The following is an entry in ClinVar:

ClinVar aggregate classification (germline): Pathogenic (1 of 4 stars; one submission).

Conditions:
Leber congenital amaurosis 9 (LCA9). Also called: LCA9 Leber Congenital Amaurosis; LCA 9; Amaurosis congenita of Leber, type 9. Identifiers: Orphanet 65, MedGen C1837873, MONDO:0012056, OMIM 608553.

Submission:

Labcorp Genetics (formerly Invitae), Labcorp
Classification: Pathogenic for Leber congenital amaurosis 9. Last evaluated: 2020-02-22. Review status: criteria provided, single submitter. Criteria: Invitae Variant Classification Sherloc (09022015). Collection method: clinical testing. Allele origin: germline.
Comment: A gross deletion of the genomic region encompassing the full coding sequence of the NMNAT1 gene has been identified. The boundaries of this event are unknown as the deletion extends beyond the assayed region for this gene and therefore may encompass additional genes. This variant has not been reported in the literature in individuals with NMNAT1-related conditions. Loss-of-function variants in NMNAT1 are known to be pathogenic (PMID: 22842229). For these reasons, this variant has been classified as Pathogenic.

Literature cited by the submitters: PubMed 22842229.

NC_000001.10:g.(?_10027411)_(10042759_?)del

Gene: NMNAT1 (nicotinamide nucleotide adenylyltransferase 1; plus strand). Cytogenetic location: 1p36.22.
Variant type: Deletion.
Identifiers: ClinVar variation 1071528 (VCV001071528.1).